The following is an entry in ClinVar:

NM_012431.3(SEMA3E):c.2108C>T (p.Ser703Leu)

Gene: SEMA3E (semaphorin 3E; minus strand). Cytogenetic location: 7q21.11.
Variant type: single nucleotide variant.
Coding change: c.2108C>T on transcript NM_012431.3 (MANE Select); coding-DNA position 2108, C replaced by T.
Protein change: p.Ser703Leu; replaces serine 703 with leucine.
Molecular consequence: missense variant.
Genome position (GRCh38, 1-based): chr7:83,367,806, G>A on the plus strand (C>T on the coding strand, the complement: SEMA3E is on the minus strand). VCF-style: chr7-83367806-G-A. GRCh37 (hg19) VCF-style: chr7-82997122-G-A.
Other names: c.1928C>T, p.Ser643Leu (NM_001178129.2); c.2108C>T (NM_012431.2); short protein forms S703L, S643L.
Identifiers: ClinVar variation 2505 (VCV000002505.12), dbSNP rs121918341, ClinGen allele CA252317.

ClinVar aggregate classification (germline): Conflicting classifications of pathogenicity. Review status: criteria provided, conflicting classifications (1 of 4 stars). 5 submissions from 5 submitters: Pathogenic (1); Uncertain significance (3). 1 of the submissions does not count toward it. Last evaluated 2026-02-28.

Conditions:
SEMA3E-related disorder. Also called: SEMA3E-related condition.
Hypogonadotropic hypogonadism 5 with or without anosmia (KAL5). Also called: CHD7-Related GnRH Deficiency (Kallmann Syndrome 5); HYPOGONADOTROPIC HYPOGONADISM 5 WITH ANOSMIA; HYPOGONADOTROPHIC HYPOGONADISM 5 WITHOUT ANOSMIA. Identifiers: Orphanet 478, MedGen C3552553, MONDO:0012880, OMIM 612370. Disease mechanism: loss of function.
CHARGE syndrome (CHARGE). Also called: Hittner Hirsch Kreh syndrome; Coloboma, heart anomaly, choanal atresia, retardation, genital and ear anomalies; CHARGE association; Hall-Hittner syndrome; CHARGE ASSOCIATION--COLOBOMA, HEART ANOMALY, CHOANAL ATRESIA, RETARDATION, GENITAL AND EAR ANOMALIES. Identifiers: Orphanet 138, MedGen C0265354, MONDO:0008965.

Allele frequency attached by ClinVar (database versions not stated): gnomAD exomes 0.00002 and 0.00001; TOPMed 0.00002; ExAC 0.00002; gnomAD 0.00003.
gnomAD v4.1: 27 of 1,614,026 alleles (0.0017%); highest among the groups gnomAD compares: Middle Eastern, 0.05%; no homozygotes.

Submissions (5):

PreventionGenetics, part of Exact Sciences
Classification: Uncertain significance for SEMA3E-related condition. Last evaluated: 2026-02-28. Review status: criteria provided, single submitter. Criteria: ACMG Guidelines, 2015. Collection method: clinical testing. Allele origin: germline.
Comment: The SEMA3E c.2108C>T variant is predicted to result in the amino acid substitution p.Ser703Leu. This variant was reported as a de novo variant in an individual with CHARGE syndrome (Lalani et al. 2004. PubMed ID: 15235037) and individuals (twins) with severe immunodeficiency without clinical features of CHARGE syndrome (Suspitsin et al. 2020. PubMed ID: 32441320). This variant is reported in 0.0050% of alleles in individuals of East Asian descent in gnomAD. At this time, the clinical significance of this variant is uncertain due to the absence of conclusive functional and genetic evidence.

Labcorp Genetics (formerly Invitae), Labcorp
Classification: Uncertain significance for CHARGE syndrome. Last evaluated: 2025-12-08. Review status: criteria provided, single submitter. Criteria: Invitae Variant Classification Sherloc (09022015). Collection method: clinical testing. Allele origin: germline.
Comment: This sequence change replaces serine, which is neutral and polar, with leucine, which is neutral and non-polar, at codon 703 of the SEMA3E protein (p.Ser703Leu). This variant is present in population databases (rs121918341, gnomAD 0.005%). This missense change has been observed in individual(s) with CHARGE syndrome and/or primary immunodeficiency (PMID: 15235037, 32441320). ClinVar contains an entry for this variant (Variation ID: 2505). An algorithm developed to predict the effect of missense changes on protein structure and function outputs the following: PolyPhen-2: "Benign". The leucine amino acid residue is found in multiple mammalian species, which suggests that this missense change does not adversely affect protein function. In summary, the available evidence is currently insufficient to determine the role of this variant in disease. Therefore, it has been classified as a Variant of Uncertain Significance.

Laboratory of Prof. Karen Avraham, Tel Aviv University
Classification: Pathogenic for Hypogonadotropic hypogonadism 5 with or without anosmia. Last evaluated: 2024-06-05. Review status: criteria provided, single submitter. Criteria: ACMG Guidelines, 2015. Collection method: research. Allele origin: germline. Affected: yes. Observed: 1 variant allele.
Comment: Pathogenic by Deafness Variation Database based on PMID: 15235037

Autosomal dominant; high-tone normal-to-moderately severe HL

Mendelics
Classification: Uncertain significance. Last evaluated: 2022-05-04. Review status: criteria provided, single submitter. Criteria: Mendelics Assertion Criteria 2019. Collection method: clinical testing. Allele origin: germline.

OMIM
Classification: Uncertain significance for RECLASSIFIED - VARIANT OF UNKNOWN SIGNIFICANCE. Last evaluated: 2004-07-01. Review status: no assertion criteria provided. Collection method: literature only. Allele origin: germline. Not counted in ClinVar's aggregate classification.

Literature cited by the submitters: PubMed 15235037 (cited by Labcorp Genetics (formerly Invitae), Labcorp and OMIM); PubMed 32441320 (cited by Labcorp Genetics (formerly Invitae), Labcorp and OMIM); Hamosh, A. Personal Communication. 2022. Baltimore, Md. (cited by OMIM).